The following is an entry in ClinVar:

NM_000505.4(F12):c.24G>A (p.Gly8=)

Gene: F12 (coagulation factor XII; minus strand). Cytogenetic location: 5q35.3.
Variant type: single nucleotide variant.
Coding change: c.24G>A on transcript NM_000505.4 (MANE Select); coding-DNA position 24, G replaced by A.
Protein change: p.Gly8=; no amino-acid change (glycine 8 retained).
Molecular consequence: synonymous variant.
Genome position (GRCh38, 1-based): chr5:177,409,504, C>T on the plus strand (G>A on the coding strand, the complement: F12 is on the minus strand). VCF-style: chr5-177409504-C-T. GRCh37 (hg19) VCF-style: chr5-176836505-C-T.
Identifiers: ClinVar variation 4981373 (VCV004981373.1).
Genomic context (GRCh38, chr5:177,409,504, plus strand): 5'-GACAATCCTGGTTCCCACAGCACTCACCGAAAGTGTTGACTCCAAGCTCACCAGCAGGAA[C>T]CCCAGGAGCAGCAGAGCCCTCATGGCATCCGTCCGTTGGTCCAGCTGCCTATCCAGGAGT-3'
Protein context (NP_000496.2, residues 1-18): MRALLLL[Gly8=]FLLVSLESTL

ClinVar aggregate classification (germline): Likely benign (1 of 4 stars; one submission).

Conditions:
F12-related disorder. Also called: F12-related condition; F12-related disorders. Identifiers: MedGen CN239389.

gnomAD v4.1: 3 of 1,614,130 alleles (0.00019%); highest among the groups gnomAD compares: Admixed American, 0.0033%; no homozygotes.

Submission:

PreventionGenetics, part of Exact Sciences
Classification: Likely benign for F12-related condition. Last evaluated: 2026-09-20. Review status: criteria provided, single submitter. Criteria: ACMG Guidelines, 2015. Collection method: clinical testing. Allele origin: germline.
Comment: This variant is classified as likely benign based on ACMG/AMP sequence variant interpretation guidelines (Richards et al. 2015 PMID: 25741868, with internal and published modifications).